The following is an entry in ClinVar:

NM_032119.4(ADGRV1):c.1684G>T (p.Ala562Ser)

Gene: ADGRV1 (adhesion G protein-coupled receptor V1; plus strand). Cytogenetic location: 5q14.3.
Variant type: single nucleotide variant.
Coding change: c.1684G>T on transcript NM_032119.4 (MANE Select); coding-DNA position 1684, G replaced by T.
Protein change: p.Ala562Ser; replaces alanine 562 with serine.
Molecular consequence: missense variant. On other transcripts: non-coding transcript variant (1).
Genome position (GRCh38, 1-based): chr5:90,629,384, G>T. VCF-style: chr5-90629384-G-T. GRCh37 (hg19) VCF-style: chr5-89925201-G-T.
Other names: c.1684G>T (NM_032119.3); short protein forms A562S.
Identifiers: ClinVar variation 811074 (VCV000811074.18), dbSNP rs199636312, ClinGen allele CA3338734.

ClinVar aggregate classification (germline): Conflicting classifications of pathogenicity. Review status: criteria provided, conflicting classifications (1 of 4 stars). 4 submissions from 4 submitters: Uncertain significance (3); Likely benign (1). Last evaluated 2026-01-28.

Allele frequency attached by ClinVar (database versions not stated): gnomAD 0.00005 and 0.00006; gnomAD exomes 0.00006; ExAC 0.00007; TOPMed 0.00007; 1000 Genomes Project 30x 0.00016; 1000 Genomes Project 0.00020.
gnomAD v4.1: 132 of 1,613,604 alleles (0.0082%); highest among the groups gnomAD compares: Middle Eastern, 0.13%; 1 homozygote.

Submissions (4):

Labcorp Genetics (formerly Invitae), Labcorp
Classification: Likely benign. Last evaluated: 2026-01-28. Review status: criteria provided, single submitter. Criteria: Invitae Variant Classification Sherloc (09022015). Collection method: clinical testing. Allele origin: germline.

Blueprint Genetics
Classification: Uncertain significance. Last evaluated: 2024-06-26. Review status: criteria provided, single submitter. Criteria: ACMG Guidelines, 2015. Collection method: clinical testing. Allele origin: germline.

GeneDx
Classification: Uncertain significance. Last evaluated: 2024-05-16. Review status: criteria provided, single submitter. Criteria: GeneDx Variant Classification Process June 2021. Collection method: clinical testing. Allele origin: germline. Affected: yes.
Comment: In silico analysis indicates that this missense variant does not alter protein structure/function; Has not been previously published as pathogenic or benign to our knowledge

ARUP Laboratories, Molecular Genetics and Genomics, ARUP Laboratories
Classification: Uncertain significance. Last evaluated: 2018-07-25. Review status: criteria provided, single submitter. Criteria: ARUP Molecular Germline Variant Investigation Process. Collection method: clinical testing. Allele origin: germline.
Comment: The ADGRV1 p.Ala562Ser variant (rs199636312), to our knowledge, has not been reported in the medical literature or gene specific databases. This variant is found in the general population with an overall allele frequency of 0.007% (17/111,630 alleles) in the Genome Aggregation Database. The alanine at codon 562 is highly conserved and computational analyses (SIFT, PolyPhen-2) predict that this variant is deleterious. However, based on the available information, the clinical significance of this variant is uncertain.